The following is an entry in ClinVar:

ClinVar aggregate classification (germline): Likely benign (0 of 4 stars; one submission).

Conditions:
PI4KA-related disorder. Also called: PI4KA-related condition; PI4KA-related disorders. Identifiers: MedGen CN378147, MONDO:1040012.

Allele frequency attached by ClinVar (database versions not stated): ExAC 0.00003; TOPMed 0.00004; gnomAD 0.00005; gnomAD exomes 0.00007; ESP Exome Variant Server 0.00015.
gnomAD v4.1: 106 of 1,612,220 alleles (0.0066%); highest among the groups gnomAD compares: Non-Finnish European, 0.0084%; no homozygotes.

Submission:

PreventionGenetics, part of Exact Sciences
Classification: Likely benign for PI4KA-related condition. Last evaluated: 2022-12-20. Review status: no assertion criteria provided. Collection method: clinical testing. Allele origin: germline.
Comment: This variant is classified as likely benign based on ACMG/AMP sequence variant interpretation guidelines (Richards et al. 2015 PMID: 25741868, with internal and published modifications).

NM_058004.4(PI4KA):c.789+9G>A

Gene: PI4KA (phosphatidylinositol 4-kinase alpha; minus strand). Cytogenetic location: 22q11.21.
Variant type: single nucleotide variant.
Coding change: c.789+9G>A on transcript NM_058004.4 (MANE Select); 9 bases into the intron after coding-DNA position 789, G replaced by A.
Molecular consequence: intron variant.
Genome position (GRCh38, 1-based): chr22:20,819,632, C>T on the plus strand (G>A on the coding strand, the complement: PI4KA is on the minus strand). VCF-style: chr22-20819632-C-T. GRCh37 (hg19) VCF-style: chr22-21173920-C-T.
Other names: c.789+9G>A (NM_001362863.2, NM_001362862.2).
Identifiers: ClinVar variation 3036736 (VCV003036736.2), dbSNP rs375759187, ClinGen allele CA10116726.
Genomic context (GRCh38, chr22:20,819,632, plus strand): 5'-GGATTTTCTTCGCAGGGGAGCTTAACAGGGTCTTTCTCCTCTGCTCTTTCCCCAGTAGCC[C>T]AGGCCCACCTGAGAGATGCTGGACACACTGCTGGTTTTCCTCTTCAGGGTACCCTCCTGA-3'